The following is an entry in ClinVar:

NC_000013.11:g.48303717A>G

Gene: RB1 (RB transcriptional corepressor 1; plus strand). Cytogenetic location: 13q14.2.
Variant type: single nucleotide variant.
Genome position: GRCh38 VCF-style: chr13-48303717-A-G. GRCh37 (hg19) VCF-style: chr13-48877853-A-G.
Identifiers: ClinVar variation 3709111 (VCV003709111.2).
Genomic context (GRCh38, chr13:48,303,717, plus strand): 5'-CCCAGTTCCCCACAGACGCCGGCGGGCCCGGGAGCCTCGCGGACGTGACGCCGCGGGCGG[A>G]AGTGACGTTTTCCCGCGGTTGGACGCGGCGCTCAGTTGCCGGGCGGGGGAGGGCGCGTCC-3'

ClinVar aggregate classification (germline): Pathogenic (1 of 4 stars; one submission).

Conditions:
Retinoblastoma (RB1). Also called: RETINOBLASTOMA, SOMATIC. Identifiers: Orphanet 790, MedGen C0035335, MeSH D012175, MONDO:0008380, OMIM 180200, HP:0009919. Disease mechanism: loss of function. Inheritance: Both sporadic and heritable forms are tested..

Submission:

Labcorp Genetics (formerly Invitae), Labcorp
Classification: Pathogenic for Retinoblastoma. Last evaluated: 2024-09-19. Review status: criteria provided, single submitter. Criteria: Invitae Variant Classification Sherloc (09022015). Collection method: clinical testing. Allele origin: germline.
Comment: This variant occurs in a non-coding region of the RB1 gene. It does not change the encoded amino acid sequence of the RB1 protein. This variant is not present in population databases (gnomAD no frequency). This variant has been observed in individual(s) with bilateral retinoblastoma (PMID: 30031154; internal data). Algorithms developed to predict the effect of variants on gene product structure and function are not available or were not evaluated for this variant. This variant is expected to affect transcription factor binding sites (SP1, ATF) in the RB1 promoter region and disruption of these binding sites affects RB1 transcription activity (PMID: 8049153, 8183566, 1881452, 33258708). A different variant within the promoter region (c.-198G>A) has been determined to be pathogenic (PMID: 1881452, 20447117, 10673998, Invitae). For these reasons, this variant has been classified as Pathogenic.

Literature cited by the submitters: PubMed 30031154; PubMed 8049153; PubMed 8183566; PubMed 1881452; PubMed 33258708; PubMed 20447117; PubMed 10673998.